The following is an entry in ClinVar:

ClinVar aggregate classification (germline): Uncertain significance. Review status: criteria provided, multiple submitters, no conflicts (2 of 4 stars). 2 submissions from 2 submitters: Uncertain significance (2). Last evaluated 2024-05-31.

Conditions:
Polycystic kidney disease 4 (PKD4). Also called: POLYCYSTIC KIDNEY AND HEPATIC DISEASE 1; POLYCYSTIC KIDNEY DISEASE, INFANTILE, TYPE I; Autosomal Recessive Polycystic Kidney Disease – PKHD1; POLYCYSTIC KIDNEY DISEASE 4 WITH OR WITHOUT POLYCYSTIC LIVER DISEASE; PKD3. Identifiers: MedGen C4540575, MONDO:0033004, OMIM 263200.

gnomAD v4.1: 4 of 1,613,298 alleles (0.00025%); highest among the groups gnomAD compares: Non-Finnish European, 0.00034%; no homozygotes.

Submissions (2):

Fulgent Genetics
Classification: Uncertain significance for Polycystic kidney disease 4. Last evaluated: 2024-05-31. Review status: criteria provided, single submitter. Criteria: ACMG Guidelines, 2015. Collection method: clinical testing. Allele origin: germline.

Mayo Clinic Laboratories, Mayo Clinic
Classification: Uncertain significance. Last evaluated: 2024-03-14. Review status: criteria provided, single submitter. Criteria: ACMG Guidelines, 2015. Collection method: clinical testing. Allele origin: germline. Observed: 1 variant allele.
Comment: BP4, PM2

Literature cited by the submitters: PubMed 28135719 (cited by Mayo Clinic Laboratories, Mayo Clinic); PubMed 31785789 (cited by Mayo Clinic Laboratories, Mayo Clinic); PubMed 33057194 (cited by Mayo Clinic Laboratories, Mayo Clinic); PubMed 35982159 (cited by Mayo Clinic Laboratories, Mayo Clinic).

NM_138694.4(PKHD1):c.11074C>G (p.Arg3692Gly)

Gene: PKHD1 (PKHD1 ciliary IPT domain containing fibrocystin/polyductin; minus strand). Cytogenetic location: 6p12.3.
Variant type: single nucleotide variant.
Coding change: c.11074C>G on transcript NM_138694.4 (MANE Select); coding-DNA position 11074, C replaced by G.
Protein change: p.Arg3692Gly; replaces arginine 3692 with glycine.
Molecular consequence: missense variant.
Genome position (GRCh38, 1-based): chr6:51,659,052, G>C on the plus strand (C>G on the coding strand, the complement: PKHD1 is on the minus strand). VCF-style: chr6-51659052-G-C. GRCh37 (hg19) VCF-style: chr6-51523850-G-C.
Other names: p.Arg3692Gly; short protein forms R3692G.
Identifiers: ClinVar variation 3379678 (VCV003379678.2).
Genomic context (GRCh38, chr6:51,659,052, plus strand): 5'-CCCCGATAGTCATATTCAGAACATTCTCTAGTACCCCAGTCTGTTGAGCAGTGATGACTC[G>C]ATGAGCCAAATTCTGTAATTTGTTACTTGATAAGGATGAAATCATTCCAGTGCTCCTTAC-3'
Protein context (NP_619639.3, residues 3682-3702): SSNKLQNLAH[Arg3692Gly]VITAQQTGVL